The following is an entry in ClinVar:

ClinVar aggregate classification (germline): Likely pathogenic (1 of 4 stars; one submission).

Submission:

GeneDx
Classification: Likely pathogenic. Last evaluated: 2018-01-23. Review status: criteria provided, single submitter. Criteria: GeneDx Variant Classification (06012015). Collection method: clinical testing. Allele origin: germline. Affected: yes.
Comment: The I68V variant in the PURA gene has not been reported previously as a pathogenic variant, nor as abenign variant, to our knowledge. The I68V variant was not observed in approximately 6500individuals of European and African American ancestry in the NHLBI Exome Sequencing Project,indicating it is not a common benign variant in these populations. The I68V variant is a conservativeamino acid substitution, which is not likely to impact secondary protein structure as these residuesshare similar properties. This substitution occurs at a position that is conserved across species. In silicoanalysis is inconsistent in its predictions as to whether or not the variant is damaging to the proteinstructure/function. The I68V variant is a strong candidate for a pathogenic variant

NM_005859.5(PURA):c.202A>G (p.Ile68Val)

Gene: PURA (purine rich element binding protein A; plus strand). Cytogenetic location: 5q31.3.
Variant type: single nucleotide variant.
Coding change: c.202A>G on transcript NM_005859.5 (MANE Select); coding-DNA position 202, A replaced by G.
Protein change: p.Ile68Val; replaces isoleucine 68 with valine.
Molecular consequence: missense variant.
Genome position (GRCh38, 1-based): chr5:140,114,383, A>G. VCF-style: chr5-140114383-A-G. GRCh37 (hg19) VCF-style: chr5-139493968-A-G.
Other names: short protein forms I68V.
Identifiers: ClinVar variation 422197 (VCV000422197.2), dbSNP rs1064795621, ClinGen allele CA16618122.